The following is an entry in ClinVar:

ClinVar aggregate classification (germline): Uncertain significance (1 of 4 stars; one submission).

Submission:

Dasa
Classification: Uncertain significance. Last evaluated: 2025-09-11. Review status: criteria provided, single submitter. Criteria: DASA Assertion Criteria. Collection method: clinical testing. Allele origin: germline.
Comment: NM_001211.6(BUB1B):c.1022C>T (p.Thr341Ile) is a missense variant that results in the substitution of threonine with isoleucine. Multiple computational predictions suggest no deleterious effect on the gene or gene product. The variant is present at low frequency in population datasets. Based on the available data, this variant is classified as variant of uncertain significance.

NM_001211.6(BUB1B):c.1022C>T (p.Thr341Ile)

Gene: BUB1B (BUB1 mitotic checkpoint serine/threonine kinase B; plus strand). Cytogenetic location: 15q15.1.
Variant type: single nucleotide variant.
Coding change: c.1022C>T on transcript NM_001211.6 (MANE Select); coding-DNA position 1022, C replaced by T.
Protein change: p.Thr341Ile; replaces threonine 341 with isoleucine.
Molecular consequence: missense variant.
Genome position (GRCh38, 1-based): chr15:40,185,606, C>T. VCF-style: chr15-40185606-C-T. GRCh37 (hg19) VCF-style: chr15-40477807-C-T.
Other names: short protein forms T341I.
Identifiers: ClinVar variation 4851824 (VCV004851824.1).
Genomic context (GRCh38, chr15:40,185,606, plus strand): 5'-TCCAGCCTCGTGGCAATACAGCTTCACTGATAGCTGTACCCGCTGTGCTTCCCAGTTTCA[C>T]TCCATATGTGGAAGAGACTGCACGACAGCCAGTTATGTGAGTGTGGTTTTTGGATATTTT-3'
Protein context (NP_001202.5, residues 331-351): IAVPAVLPSF[Thr341Ile]PYVEETARQP